The following is an entry in ClinVar:

ClinVar aggregate classification (germline): Uncertain significance. Review status: criteria provided, multiple submitters, no conflicts (2 of 4 stars). 2 submissions from 2 submitters: Uncertain significance (2). Last evaluated 2025-04-06.

Conditions:
Inborn genetic diseases. Identifiers: MedGen C0950123, MeSH D030342.
Evans syndrome, immunodeficiency, and premature immunosenescence associated with tripeptidyl-peptidase II deficiency. Identifiers: MedGen CN231723. Disease mechanism: loss of function.

Allele frequency attached by ClinVar (database versions not stated): gnomAD 0.00001 and 0.00005; TOPMed 0.00002.
gnomAD v4.1: 113 of 1,614,050 alleles (0.007%); highest among the groups gnomAD compares: South Asian, 0.11%; 5 homozygotes.

Submissions (2):

Ambry Genetics
Classification: Uncertain significance for Inborn genetic diseases. Last evaluated: 2025-04-06. Review status: criteria provided, single submitter. Criteria: Ambry Variant Classification Scheme 2023. Collection method: clinical testing. Allele origin: germline.

Labcorp Genetics (formerly Invitae), Labcorp
Classification: Uncertain significance for Evans syndrome, immunodeficiency, and premature immunosenescence associated with tripeptidyl-peptidase II deficiency. Last evaluated: 2018-07-30. Review status: criteria provided, single submitter. Criteria: Invitae Variant Classification Sherloc (09022015). Collection method: clinical testing. Allele origin: germline.
Comment: This sequence change replaces valine with methionine at codon 223 of the TPP2 protein (p.Val223Met). The valine residue is highly conserved and there is a small physicochemical difference between valine and methionine. This variant is present in population databases (rs764423980, ExAC 0.08%). This variant has not been reported in the literature in individuals with TPP2-related disease. Algorithms developed to predict the effect of missense changes on protein structure and function are either unavailable or do not agree on the potential impact of this missense change (SIFT: "Tolerated"; PolyPhen-2: "Possibly Damaging"; Align-GVGD: "Class C0"). In summary, the available evidence is currently insufficient to determine the role of this variant in disease. Therefore, it has been classified as a Variant of Uncertain Significance.

NM_001330588.2(TPP2):c.667G>A (p.Val223Met)

Gene: TPP2 (tripeptidyl peptidase 2; plus strand). Cytogenetic location: 13q33.1.
Variant type: single nucleotide variant.
Coding change: c.667G>A on transcript NM_001330588.2 (MANE Select); coding-DNA position 667, G replaced by A.
Protein change: p.Val223Met; replaces valine 223 with methionine.
Molecular consequence: missense variant. On other transcripts: non-coding transcript variant (1).
Genome position (GRCh38, 1-based): chr13:102,622,923, G>A. VCF-style: chr13-102622923-G-A. GRCh37 (hg19) VCF-style: chr13-103275273-G-A.
Other names: c.667G>A, p.Val223Met (LRG_1341t1, NM_001367947.1, NM_003291.4); short protein forms V223M.
Identifiers: ClinVar variation 654374 (VCV000654374.2), dbSNP rs764423980, ClinGen allele CA7037576.